The following is an entry in ClinVar:

ClinVar aggregate classification (germline): Uncertain significance (1 of 4 stars; one submission).

Submission:

Labcorp Genetics (formerly Invitae), Labcorp
Classification: Uncertain significance. Last evaluated: 2022-03-08. Review status: criteria provided, single submitter. Criteria: Invitae Variant Classification Sherloc (09022015). Collection method: clinical testing. Allele origin: germline.
Comment: In summary, the available evidence is currently insufficient to determine the role of this variant in disease. Therefore, it has been classified as a Variant of Uncertain Significance. Algorithms developed to predict the effect of sequence changes on RNA splicing suggest that this variant may create or strengthen a splice site. Algorithms developed to predict the effect of missense changes on protein structure and function (SIFT, PolyPhen-2, Align-GVGD) all suggest that this variant is likely to be disruptive. This variant has not been reported in the literature in individuals affected with TNNI3K-related conditions. This variant is not present in population databases (gnomAD no frequency). This sequence change replaces cysteine, which is neutral and slightly polar, with glycine, which is neutral and non-polar, at codon 278 of the TNNI3K protein (p.Cys278Gly).

NM_015978.3(TNNI3K):c.832T>G (p.Cys278Gly)

Genes: FPGT-TNNI3K (FPGT-TNNI3K readthrough; plus strand), TNNI3K (TNNI3 interacting kinase; plus strand). Cytogenetic location: 1p31.1.
Variant type: single nucleotide variant.
Coding change: c.832T>G on transcript NM_015978.3 (MANE Select); coding-DNA position 832, T replaced by G.
Protein change: p.Cys278Gly; replaces cysteine 278 with glycine.
Molecular consequence: missense variant.
Genome position (GRCh38, 1-based): chr1:74,343,079, T>G. VCF-style: chr1-74343079-T-G. GRCh37 (hg19) VCF-style: chr1-74808763-T-G.
Other names: c.1135T>G, p.Cys379Gly (NM_001112808.3, NM_001199327.2); short protein forms C379G, C278G.
Identifiers: ClinVar variation 1496552 (VCV001496552.6), dbSNP rs2100445447, ClinGen allele CA340782049.